The following is an entry in ClinVar:

ClinVar aggregate classification (germline): Uncertain significance. Review status: criteria provided, single submitter (1 of 4 stars). 2 submissions from 2 submitters: Uncertain significance (1). 1 of the submissions does not count toward it. Last evaluated 2022-11-04.

Conditions:
Moyamoya disease 2 (MYMY2). Also called: MOYAMOYA DISEASE 2, SUSCEPTIBILITY TO. Identifiers: Orphanet 2573, MedGen C1846689, MONDO:0011784, OMIM 607151.

Allele frequency attached by ClinVar (database versions not stated): gnomAD exomes below 0.00001.
gnomAD v4.1: 4 of 1,614,138 alleles (0.00025%); highest among the groups gnomAD compares: Non-Finnish European, 0.00017%; no homozygotes.

Submissions (2):

Labcorp Genetics (formerly Invitae), Labcorp
Classification: Uncertain significance. Last evaluated: 2022-11-04. Review status: criteria provided, single submitter. Criteria: Invitae Variant Classification Sherloc (09022015). Collection method: clinical testing. Allele origin: germline.
Comment: This sequence change replaces valine, which is neutral and non-polar, with methionine, which is neutral and non-polar, at codon 3933 of the RNF213 protein (p.Val3933Met). In summary, the available evidence is currently insufficient to determine the role of this variant in disease. Therefore, it has been classified as a Variant of Uncertain Significance. Algorithms developed to predict the effect of missense changes on protein structure and function are either unavailable or do not agree on the potential impact of this missense change (SIFT: "Tolerated"; PolyPhen-2: "Probably Damaging"; Align-GVGD: "Class C0"). ClinVar contains an entry for this variant (Variation ID: 417845). This missense change has been observed in individuals with moyamoya disease (PMID: 25956231; Invitae). It has also been observed to segregate with disease in related individuals. This variant is present in population databases (no rsID available, gnomAD no frequency).

UMR-S1161, Institut national de la santé et de la recherche médicale
Classification: Uncertain significance for Moyamoya disease 2. Last evaluated: 2017-03-03. Review status: no assertion criteria provided. Collection method: research. Allele origin: inherited. Affected: yes. Study: Rare RNF213 variants in Caucasian moyamoya patients. Not counted in ClinVar's aggregate classification.

Literature cited by the submitters: PubMed 25956231 (cited by Labcorp Genetics (formerly Invitae), Labcorp).

NM_001256071.3(RNF213):c.11797G>A (p.Val3933Met)

Genes: RNF213 (ring finger protein 213; plus strand), RNF213-AS1 (RNF213 antisense RNA 1; minus strand). Cytogenetic location: 17q25.3.
Variant type: single nucleotide variant.
Coding change: c.11797G>A on transcript NM_001256071.3 (MANE Select); coding-DNA position 11797, G replaced by A.
Protein change: p.Val3933Met; replaces valine 3933 with methionine.
Molecular consequence: missense variant.
Genome position (GRCh38, 1-based): chr17:80,364,479, G>A. VCF-style: chr17-80364479-G-A. GRCh37 (hg19) VCF-style: chr17-78338279-G-A.
Other names: short protein forms V3933M.
Identifiers: ClinVar variation 417845 (VCV000417845.5), dbSNP rs1181813391, ClinGen allele CA401408557.